The following is an entry in ClinVar:

NM_001365631.1(CLASP2):c.-20GCGG[4]

Genes: CLASP2 (cytoplasmic linker associated protein 2; minus strand), LOC129936446 (ATAC-STARR-seq lymphoblastoid silent region 14191; plus strand). Cytogenetic location: 3p22.3.
Variant type: Microsatellite.
Coding change: c.-20GCGG[4] on transcript NM_001365631.1 (MANE Select); four copies in a row of the 4-base unit GCGG starting at c.-20; the reference has three copies in a row; one copy, 4 bases duplicated.
Molecular consequence: 5 prime UTR variant.
Genome position (GRCh38, 1-based): chr3:33,718,011-33,718,014, CCGC duplicated on the plus strand (GCGG on the coding strand, the reverse complement: CLASP2 is on the minus strand); duplicating any 4 consecutive bases within chr3:33,718,011-33,718,023 gives the same sequence; the position shown is the placement nearest the transcript's 3' end. VCF-style (leftmost placement, unchanged base first): chr3-33718010-G-GCCGC. GRCh37 (hg19) VCF-style: chr3-33759502-G-GCCGC.
Other names: c.-20GCGG[4] (NM_001365627.1, NM_001365628.1, NM_001365629.1 and 13 more transcripts); c.-238GCGG[4] (NM_001375713.1); c.-12_-9dupGCGG (NM_001365628.1).
Identifiers: ClinVar variation 3038051 (VCV003038051.2), dbSNP rs771134830, ClinGen allele CA2303344.
Genomic context (GRCh38, chr3:33,718,010, plus strand): 5'-ACGTCCTTCTGCTGCACCTGGGCGCAGAAGTACTCCATGCTGCGGGGCTCCATGGCTGCG[G>GCCGC]CCGCCCGCCCGCCTGCCAGTCTGTGAGCGGCCAACTTTCGCCGAGAGCCGCCCAGCCTCC-3'

ClinVar aggregate classification (germline): Likely benign (0 of 4 stars; one submission).

Conditions:
CLASP2-related disorder. Also called: CLASP2-related condition.

Submission:

PreventionGenetics, part of Exact Sciences
Classification: Likely benign for CLASP2-related condition. Last evaluated: 2019-05-07. Review status: no assertion criteria provided. Collection method: clinical testing. Allele origin: germline.
Comment: This variant is classified as likely benign based on ACMG/AMP sequence variant interpretation guidelines (Richards et al. 2015 PMID: 25741868, with internal and published modifications).